The following is an entry in ClinVar:

NM_000038.6(APC):c.3123A>G (p.Gln1041=)

Gene: APC (APC regulator of Wnt signaling pathway; plus strand). Cytogenetic location: 5q22.2.
Variant type: single nucleotide variant.
Coding change: c.3123A>G on transcript NM_000038.6 (MANE Select); coding-DNA position 3123, A replaced by G.
Protein change: p.Gln1041=; no amino-acid change (glutamine 1041 retained).
Molecular consequence: synonymous variant.
Genome position (GRCh38, 1-based): chr5:112,838,717, A>G. VCF-style: chr5-112838717-A-G. GRCh37 (hg19) VCF-style: chr5-112174414-A-G.
Other names: c.3123A>G, p.Gln1041= (NM_001127510.3, NM_001354895.2); c.3069A>G, p.Gln1023= (NM_001127511.3); c.3177A>G, p.Gln1059= (NM_001354896.2); c.3153A>G, p.Gln1051= (NM_001354897.2); c.3048A>G, p.Gln1016= (NM_001354898.2); c.3039A>G, p.Gln1013= (NM_001354899.2); c.3000A>G, p.Gln1000= (NM_001354900.2); c.2946A>G, p.Gln982= (NM_001354901.2); and 5 more.
Identifiers: ClinVar variation 184251 (VCV000184251.20), dbSNP rs537501804, ClinGen allele CA008061.

ClinVar aggregate classification (germline): Benign/Likely benign. Review status: criteria provided, multiple submitters, no conflicts (2 of 4 stars). 6 submissions from 6 submitters: Benign (1); Likely benign (5). Last evaluated 2026-01-27.

Conditions:
Classic or attenuated familial adenomatous polyposis. Identifiers: MedGen CN372698, MONDO:0021057.
Hereditary cancer-predisposing syndrome. Also called: Hereditary neoplastic syndrome; Neoplastic Syndromes, Hereditary; Tumor predisposition; Hereditary Cancer Syndrome. Identifiers: Orphanet 140162, MedGen C0027672, MeSH D009386, MONDO:0015356.
Familial adenomatous polyposis 1 (FAP1). Also called: FAMILIAL ADENOMATOUS POLYPOSIS 1, ATTENUATED; POLYPOSIS, ADENOMATOUS INTESTINAL. Identifiers: MedGen C2713442, MONDO:0021056, OMIM 175100. Disease mechanism: loss of function.

Allele frequency attached by ClinVar (database versions not stated): gnomAD exomes below 0.00001 and 0.00001; gnomAD 0.00001.
gnomAD v4.1: 5 of 1,614,182 alleles (0.00031%); highest among the groups gnomAD compares: East Asian, 0.0022%; no homozygotes.

Submissions (6):

Labcorp Genetics (formerly Invitae), Labcorp
Classification: Likely benign for Familial adenomatous polyposis 1. Last evaluated: 2026-01-27. Review status: criteria provided, single submitter. Criteria: Invitae Variant Classification Sherloc (09022015). Collection method: clinical testing. Allele origin: germline.

All of Us Research Program, National Institutes of Health
Classification: Likely benign for Classic or attenuated familial adenomatous polyposis. Last evaluated: 2024-07-29. Review status: criteria provided, single submitter. Criteria: ACMG Guidelines, 2015. Collection method: clinical testing. Allele origin: germline. Inheritance: Autosomal dominant inheritance. Observed: 3 variant alleles, 3 heterozygotes.
Comment: This study involves interpretation of variants in research participants for the purpose of population health screening. Participant phenotype was not available at the time of variant classification. Additional details can be found in publication PMID: 35346344, PMCID: PMC8962531

Myriad Genetics, Inc.
Classification: Benign for Familial adenomatous polyposis 1. Last evaluated: 2024-03-18. Review status: criteria provided, single submitter. Criteria: Myriad Autosomal Dominant, Autosomal Recessive and X-Linked Classification Criteria (2023). Collection method: clinical testing. Allele origin: unknown.
Comment: This variant is considered benign. This variant is a silent/synonymous amino acid change and it is not expected to impact splicing.

Color Diagnostics, LLC DBA Color Health
Classification: Likely benign for Hereditary cancer-predisposing syndrome. Last evaluated: 2018-02-06. Review status: criteria provided, single submitter. Criteria: ACMG Guidelines, 2015. Collection method: clinical testing. Allele origin: germline.

GeneDx
Classification: Likely benign. Last evaluated: 2017-02-24. Review status: criteria provided, single submitter. Criteria: GeneDx Variant Classification (06012015). Collection method: clinical testing. Allele origin: germline. Affected: yes.
Comment: This variant is considered likely benign or benign based on one or more of the following criteria: it is a conservative change, it occurs at a poorly conserved position in the protein, it is predicted to be benign by multiple in silico algorithms, and/or has population frequency not consistent with disease.

Ambry Genetics
Classification: Likely benign for Hereditary cancer-predisposing syndrome. Last evaluated: 2014-06-11. Review status: criteria provided, single submitter. Criteria: Ambry Variant Classification Scheme 2023. Collection method: clinical testing. Allele origin: germline.